The following is an entry in ClinVar:

ClinVar aggregate classification (germline): Uncertain significance (1 of 4 stars; one submission).

gnomAD v4.1: 1 of 1,613,918 alleles (0.000062%); highest among the groups gnomAD compares: Non-Finnish European, 0.000085%; no homozygotes.

Submission:

Ambry Genetics
Classification: Uncertain significance. Last evaluated: 2025-02-04. Review status: criteria provided, single submitter. Criteria: Ambry Variant Classification Scheme 2023. Collection method: clinical testing. Allele origin: germline.
Comment: The p.P532L variant (also known as c.1595C>T), located in coding exon 13 of the GEN1 gene, results from a C to T substitution at nucleotide position 1595. The proline at codon 532 is replaced by leucine, an amino acid with similar properties. This amino acid position is conserved. In addition, this alteration is predicted to be tolerated by in silico analysis. Based on the available evidence, the clinical significance of this variant remains unclear.

NM_001130009.3(GEN1):c.1595C>T (p.Pro532Leu)

Gene: GEN1 (GEN1 Holliday junction 5' flap endonuclease; plus strand). Cytogenetic location: 2p24.2.
Variant type: single nucleotide variant.
Coding change: c.1595C>T on transcript NM_001130009.3 (MANE Select); coding-DNA position 1595, C replaced by T.
Protein change: p.Pro532Leu; replaces proline 532 with leucine.
Molecular consequence: missense variant.
Genome position (GRCh38, 1-based): chr2:17,780,807, C>T. VCF-style: chr2-17780807-C-T. GRCh37 (hg19) VCF-style: chr2-17962074-C-T.
Other names: c.1595C>T, p.Pro532Leu (NM_182625.5); short protein forms P532L.
Identifiers: ClinVar variation 3853547 (VCV003853547.1).